The following is an entry in ClinVar:

NM_001005498.4(RHBDF2):c.700C>G (p.Gln234Glu)

Gene: RHBDF2 (rhomboid 5 homolog 2; minus strand). Cytogenetic location: 17q25.1.
Variant type: single nucleotide variant.
Coding change: c.700C>G on transcript NM_001005498.4 (MANE Select); coding-DNA position 700, C replaced by G.
Protein change: p.Gln234Glu; replaces glutamine 234 with glutamic acid.
Molecular consequence: missense variant. On other transcripts: non-coding transcript variant (3).
Genome position (GRCh38, 1-based): chr17:76,477,758, G>C on the plus strand (C>G on the coding strand, the complement: RHBDF2 is on the minus strand). VCF-style: chr17-76477758-G-C. GRCh37 (hg19) VCF-style: chr17-74473840-G-C.
Other names: c.700C>G, p.Gln234Glu (NM_001376228.1, NM_001376229.1, NM_001376230.1); c.787C>G, p.Gln263Glu (NM_024599.5); short protein forms Q234E, Q263E.
Identifiers: ClinVar variation 2678375 (VCV002678375.2), dbSNP rs2509830683, ClinGen allele CA401171169.

ClinVar aggregate classification (germline): Uncertain significance. Review status: criteria provided, multiple submitters, no conflicts (2 of 4 stars). 2 submissions from 2 submitters: Uncertain significance (2). Last evaluated 2025-07-29.

Conditions:
Palmoplantar keratoderma-esophageal carcinoma syndrome (TOC). Also called: KERATOSIS PALMARIS ET PLANTARIS WITH ESOPHAGEAL CANCER; PALMOPLANTAR KERATODERMA WITH ESOPHAGEAL CANCER; Tylosis with Esophageal Cancer. Identifiers: Orphanet 2198, MedGen C1835664, MONDO:0007856, OMIM 148500.

Allele frequency attached by ClinVar (database versions not stated): gnomAD exomes below 0.00001.
gnomAD v4.1: 1 of 1,613,014 alleles (0.000062%); highest among the groups gnomAD compares: Non-Finnish European, 0.000085%; no homozygotes.

Submissions (2):

Labcorp Genetics (formerly Invitae), Labcorp
Classification: Uncertain significance. Last evaluated: 2025-07-29. Review status: criteria provided, single submitter. Criteria: Invitae Variant Classification Sherloc (09022015). Collection method: clinical testing. Allele origin: germline.
Comment: This sequence change replaces glutamine, which is neutral and polar, with glutamic acid, which is acidic and polar, at codon 263 of the RHBDF2 protein (p.Gln263Glu). This variant is not present in population databases (gnomAD no frequency). This variant has not been reported in the literature in individuals affected with RHBDF2-related conditions. ClinVar contains an entry for this variant (Variation ID: 2678375). An algorithm developed to predict the effect of missense changes on protein structure and function (PolyPhen-2) suggests that this variant is likely to be tolerated. In summary, the available evidence is currently insufficient to determine the role of this variant in disease. Therefore, it has been classified as a Variant of Uncertain Significance.

Baylor Genetics
Classification: Uncertain significance for Palmoplantar keratoderma-esophageal carcinoma syndrome. Last evaluated: 2023-06-09. Review status: criteria provided, single submitter. Criteria: ACMG Guidelines, 2015. Collection method: clinical testing. Allele origin: unknown.